The following is an entry in ClinVar:

NM_001379659.1(ZNF142):c.2471C>T (p.Pro824Leu)

Gene: ZNF142 (zinc finger protein 142; minus strand). Cytogenetic location: 2q35.
Variant type: single nucleotide variant.
Coding change: c.2471C>T on transcript NM_001379659.1 (MANE Select); coding-DNA position 2471, C replaced by T.
Protein change: p.Pro824Leu; replaces proline 824 with leucine.
Molecular consequence: missense variant.
Genome position (GRCh38, 1-based): chr2:218,644,645, G>A on the plus strand (C>T on the coding strand, the complement: ZNF142 is on the minus strand). VCF-style: chr2-218644645-G-A. GRCh37 (hg19) VCF-style: chr2-219509368-G-A.
Other names: c.1382C>T, p.Pro461Leu (NM_001366288.3, NM_001366289.3, NM_001366287.3); c.2471C>T, p.Pro824Leu (NM_001366290.3, NM_001379660.1, NM_001379661.1); c.1871C>T, p.Pro624Leu (NM_001366291.3, NM_001105537.5, NM_001379662.1); short protein forms P461L, P624L, P824L.
Identifiers: ClinVar variation 2483591 (VCV002483591.3), dbSNP rs746308342, ClinGen allele CA2109153.

ClinVar aggregate classification (germline): Uncertain significance. Review status: criteria provided, multiple submitters, no conflicts (2 of 4 stars). 2 submissions from 2 submitters: Uncertain significance (2). Last evaluated 2025-08-15.

Conditions:
Inborn genetic diseases. Identifiers: MedGen C0950123, MeSH D030342.

Allele frequency attached by ClinVar (database versions not stated): ExAC 0.00001; gnomAD exomes below 0.00001.
gnomAD v4.1: 2 of 1,614,228 alleles (0.00012%); highest among the groups gnomAD compares: Admixed American, 0.0017%; no homozygotes.

Submissions (2):

GeneDx
Classification: Uncertain significance. Last evaluated: 2025-08-15. Review status: criteria provided, single submitter. Criteria: GeneDx Variant Classification Process June 2021. Collection method: clinical testing. Allele origin: germline. Affected: yes.
Comment: Not observed at significant frequency in large population cohorts (gnomAD); In silico analysis suggests that this missense variant does not alter protein structure/function; Has not been previously published as pathogenic or benign to our knowledge

Ambry Genetics
Classification: Uncertain significance for Inborn genetic diseases. Last evaluated: 2023-02-14. Review status: criteria provided, single submitter. Criteria: Ambry Variant Classification Scheme 2023. Collection method: clinical testing. Allele origin: germline.